The following is an entry in ClinVar:

NM_012120.3(CD2AP):c.844G>A (p.Gly282Ser)

Gene: CD2AP (CD2 associated protein; plus strand). Cytogenetic location: 6p12.3.
Variant type: single nucleotide variant.
Coding change: c.844G>A on transcript NM_012120.3 (MANE Select); coding-DNA position 844, G replaced by A.
Protein change: p.Gly282Ser; replaces glycine 282 with serine.
Molecular consequence: missense variant.
Genome position (GRCh38, 1-based): chr6:47,577,044, G>A. VCF-style: chr6-47577044-G-A. GRCh37 (hg19) VCF-style: chr6-47544780-G-A.
Other names: short protein forms G282S.
Identifiers: ClinVar variation 2761619 (VCV002761619.3), dbSNP rs1252909349, ClinGen allele CA363942964.

ClinVar aggregate classification (germline): Uncertain significance (1 of 4 stars; one submission).

Allele frequency attached by ClinVar (database versions not stated): TOPMed below 0.00001; gnomAD 0.00001.

Submission:

Labcorp Genetics (formerly Invitae), Labcorp
Classification: Uncertain significance. Last evaluated: 2024-10-23. Review status: criteria provided, single submitter. Criteria: Invitae Variant Classification Sherloc (09022015). Collection method: clinical testing. Allele origin: germline.
Comment: This sequence change replaces glycine, which is neutral and non-polar, with serine, which is neutral and polar, at codon 282 of the CD2AP protein (p.Gly282Ser). This variant is not present in population databases (gnomAD no frequency). This variant has not been reported in the literature in individuals affected with CD2AP-related conditions. Invitae Evidence Modeling of protein sequence and biophysical properties (such as structural, functional, and spatial information, amino acid conservation, physicochemical variation, residue mobility, and thermodynamic stability) indicates that this missense variant is not expected to disrupt CD2AP protein function with a negative predictive value of 80%. In summary, the available evidence is currently insufficient to determine the role of this variant in disease. Therefore, it has been classified as a Variant of Uncertain Significance.